The following is an entry in ClinVar:

ClinVar aggregate classification (germline): Uncertain significance (1 of 4 stars; one submission).

Conditions:
Genitopatellar syndrome (GTPTS). Also called: ABSENT PATELLAE, SCROTAL HYPOPLASIA, RENAL ANOMALIES, FACIAL DYSMORPHISM, AND MENTAL RETARDATION; Genitopatellar syndrome (GPS). Identifiers: Orphanet 85201, MedGen C1853566, MONDO:0011640, OMIM 606170.

Submission:

Labcorp Genetics (formerly Invitae), Labcorp
Classification: Uncertain significance for Genitopatellar syndrome. Last evaluated: 2025-05-23. Review status: criteria provided, single submitter. Criteria: Invitae Variant Classification Sherloc (09022015). Collection method: clinical testing. Allele origin: germline.
Comment: This sequence change replaces arginine, which is basic and polar, with cysteine, which is neutral and slightly polar, at codon 79 of the KAT6B protein (p.Arg79Cys). This variant is present in population databases (no rsID available, gnomAD 0.006%). This variant has not been reported in the literature in individuals affected with KAT6B-related conditions. Invitae Evidence Modeling of protein sequence and biophysical properties (such as structural, functional, and spatial information, amino acid conservation, physicochemical variation, residue mobility, and thermodynamic stability) indicates that this missense variant is not expected to disrupt KAT6B protein function with a negative predictive value of 80%. In summary, the available evidence is currently insufficient to determine the role of this variant in disease. Therefore, it has been classified as a Variant of Uncertain Significance.

NM_012330.4(KAT6B):c.235C>T (p.Arg79Cys)

Gene: KAT6B (lysine acetyltransferase 6B; plus strand). Cytogenetic location: 10q22.2.
Variant type: single nucleotide variant.
Coding change: c.235C>T on transcript NM_012330.4 (MANE Select); coding-DNA position 235, C replaced by T.
Protein change: p.Arg79Cys; replaces arginine 79 with cysteine.
Molecular consequence: missense variant. On other transcripts: 5 prime UTR variant (2).
Genome position (GRCh38, 1-based): chr10:74,843,092, C>T. VCF-style: chr10-74843092-C-T. GRCh37 (hg19) VCF-style: chr10-76602850-C-T.
Other names: c.235C>T, p.Arg79Cys (NM_001256468.2, NM_001256469.2, NM_001370132.1 and 10 more transcripts); c.-304C>T (NM_001370134.1, NM_001370135.1); short protein forms R79C.
Identifiers: ClinVar variation 4735355 (VCV004735355.1).
Genomic context (GRCh38, chr10:74,843,092, plus strand): 5'-TCAGTTCTCAAAGTCACCAACAAAGGCCTTGCCTCCTATAAGGACCCAGACAACCCTGGG[C>T]GCTTTTCATCAGTTAAACCAGGCACTTTTCCTAAGTCAGCCAAGGGGTCTAGAGGATCAT-3'
Protein context (NP_036462.2, residues 69-89): ASYKDPDNPG[Arg79Cys]FSSVKPGTFP